The following is an entry in ClinVar:

NM_005609.4(PYGM):c.528+1G>A

Gene: PYGM (glycogen phosphorylase, muscle associated; minus strand). Cytogenetic location: 11q13.1.
Variant type: single nucleotide variant.
Coding change: c.528+1G>A on transcript NM_005609.4 (MANE Select); the canonical splice donor site of the intron after coding-DNA position 528, G replaced by A.
Molecular consequence: splice donor variant.
Genome position (GRCh38, 1-based): chr11:64,758,245, C>T on the plus strand (G>A on the coding strand, the complement: PYGM is on the minus strand). VCF-style: chr11-64758245-C-T. GRCh37 (hg19) VCF-style: chr11-64525717-C-T.
Other names: c.264+1G>A (NM_001164716.1).
Identifiers: ClinVar variation 840085 (VCV000840085.8), dbSNP rs1262967083, ClinGen allele CA381108740.

ClinVar aggregate classification (germline): Likely pathogenic (1 of 4 stars; one submission).

Conditions:
Glycogen storage disease, type V (GSD5). Also called: MCARDLE DISEASE; MUSCLE GLYCOGEN PHOSPHORYLASE DEFICIENCY; MYOPHOSPHORYLASE DEFICIENCY; PYGM DEFICIENCY; McArdle type glycogen storage disease. Identifiers: Orphanet 368, MedGen C0017924, MONDO:0009293, OMIM 232600.

Allele frequency attached by ClinVar (database versions not stated): gnomAD exomes below 0.00001; TOPMed below 0.00001.
gnomAD v4.1: 1 of 1,610,382 alleles (0.000062%); highest among the groups gnomAD compares: Non-Finnish European, 0.000085%; no homozygotes.

Submission:

Labcorp Genetics (formerly Invitae), Labcorp
Classification: Likely pathogenic for Glycogen storage disease, type V. Last evaluated: 2023-09-06. Review status: criteria provided, single submitter. Criteria: Invitae Variant Classification Sherloc (09022015). Collection method: clinical testing. Allele origin: germline.
Comment: ClinVar contains an entry for this variant (Variation ID: 840085). In summary, the currently available evidence indicates that the variant is pathogenic, but additional data are needed to prove that conclusively. Therefore, this variant has been classified as Likely Pathogenic. Algorithms developed to predict the effect of sequence changes on RNA splicing suggest that this variant may disrupt the consensus splice site. This variant has not been reported in the literature in individuals affected with PYGM-related conditions. This variant is not present in population databases (gnomAD no frequency). This sequence change affects a donor splice site in intron 4 of the PYGM gene. It is expected to disrupt RNA splicing. Variants that disrupt the donor or acceptor splice site typically lead to a loss of protein function (PMID: 16199547), and loss-of-function variants in PYGM are known to be pathogenic (PMID: 8316268, 16786513).

Literature cited by the submitters: PubMed 16199547; PubMed 8316268; PubMed 16786513.